The following is an entry in ClinVar:

NC_000002.11:g.(?_84650850)_(84686413_?)del

Gene: SUCLG1 (succinate-CoA ligase GDP/ADP-forming subunit alpha; minus strand). Cytogenetic location: 2p11.2.
Variant type: Deletion.
Identifiers: ClinVar variation 1071175 (VCV001071175.3).

ClinVar aggregate classification (germline): Pathogenic (1 of 4 stars; one submission).

Conditions:
Mitochondrial DNA depletion syndrome 9 (MTDPS9). Also called: SUCLG1-Related Mitochondrial DNA Depletion Syndrome, Encephalomyopathic Form with Methylmalonic Aciduria. Identifiers: Orphanet 17, MedGen C3151476, MONDO:0009504, OMIM 245400.

Submission:

Labcorp Genetics (formerly Invitae), Labcorp
Classification: Pathogenic for Mitochondrial DNA depletion syndrome 9. Last evaluated: 2022-03-03. Review status: criteria provided, single submitter. Criteria: Invitae Variant Classification Sherloc (09022015). Collection method: clinical testing. Allele origin: germline.
Comment: For these reasons, this variant has been classified as Pathogenic. This variant has not been reported in the literature in individuals affected with SUCLG1-related conditions. A gross deletion of the genomic region encompassing the full coding sequence of the SUCLG1 gene has been identified. Loss-of-function variants in SUCLG1 are known to be pathogenic (PMID: 20693550). The boundaries of this event are unknown as they extend beyond the assayed region for this gene and therefore may encompass additional genes.

Literature cited by the submitters: PubMed 20693550.